The following is an entry in ClinVar:

NM_004260.4(RECQL4):c.3268G>A (p.Glu1090Lys)

Gene: RECQL4 (RecQ like helicase 4; minus strand). Cytogenetic location: 8q24.3.
Variant type: single nucleotide variant.
Coding change: c.3268G>A on transcript NM_004260.4 (MANE Select); coding-DNA position 3268, G replaced by A.
Protein change: p.Glu1090Lys; replaces glutamic acid 1090 with lysine.
Molecular consequence: missense variant.
Genome position (GRCh38, 1-based): chr8:144,512,036, C>T on the plus strand (G>A on the coding strand, the complement: RECQL4 is on the minus strand). VCF-style: chr8-144512036-C-T. GRCh37 (hg19) VCF-style: chr8-145737419-C-T.
Other names: short protein forms E1090K.
Identifiers: ClinVar variation 665619 (VCV000665619.9), dbSNP rs756401653, ClinGen allele CA4947836.

ClinVar aggregate classification (germline): Uncertain significance. Review status: criteria provided, multiple submitters, no conflicts (2 of 4 stars). 2 submissions from 2 submitters: Uncertain significance (2). Last evaluated 2026-10-01.

Conditions:
Rothmund-Thomson syndrome type 2 (RTS2). Identifiers: Orphanet 221016, MedGen C5203410, MONDO:0016369, OMIM 268400.
Baller-Gerold syndrome (BGS). Also called: CRANIOSYNOSTOSIS WITH RADIAL DEFECTS. Identifiers: Orphanet 1225, MedGen C0265308, MONDO:0009039, OMIM 218600.

Allele frequency attached by ClinVar (database versions not stated): ExAC 0.00001; gnomAD exomes 0.00001 and 0.00002.

Submissions (2):

St. Jude Molecular Pathology, St. Jude Children's Research Hospital
Classification: Uncertain significance for Rothmund-Thomson syndrome type 2. Last evaluated: 2026-10-01. Review status: criteria provided, single submitter. Criteria: St. Jude Assertion Criteria 2020. Collection method: clinical testing. Allele origin: germline.
Comment: The RECQL4 c.3268G>A p.(Glu1090Lys) missense change has a maximum subpopulation frequency of 0.006% in gnomAD v2.1.1. In silico tools are inconclusive about a pathogenic or benign effect of this variant on protein function, and t o our knowledge functional studies have not been performed. To our knowledge, this variant has not been reported in individuals with RECQL4-associated conditions. In summary, the evidence currently available is insufficient to determine the clinical significance of this variant. It has therefore been classified as of uncertain significance.

Labcorp Genetics (formerly Invitae), Labcorp
Classification: Uncertain significance for Baller-Gerold syndrome. Last evaluated: 2024-05-22. Review status: criteria provided, single submitter. Criteria: Invitae Variant Classification Sherloc (09022015). Collection method: clinical testing. Allele origin: germline.
Comment: This sequence change replaces glutamic acid, which is acidic and polar, with lysine, which is basic and polar, at codon 1090 of the RECQL4 protein (p.Glu1090Lys). This variant is present in population databases (rs756401653, gnomAD 0.006%). This variant has not been reported in the literature in individuals affected with RECQL4-related conditions. ClinVar contains an entry for this variant (Variation ID: 665619). Advanced modeling of protein sequence and biophysical properties (such as structural, functional, and spatial information, amino acid conservation, physicochemical variation, residue mobility, and thermodynamic stability) performed at Invitae indicates that this missense variant is not expected to disrupt RECQL4 protein function with a negative predictive value of 80%. In summary, the available evidence is currently insufficient to determine the role of this variant in disease. Therefore, it has been classified as a Variant of Uncertain Significance.